The following is an entry in ClinVar:

ClinVar aggregate classification (germline): Uncertain significance (1 of 4 stars; one submission).

gnomAD v4.1: 1 of 1,613,772 alleles (0.000062%); highest among the groups gnomAD compares: African/African-American, 0.0013%; no homozygotes.

Submission:

GeneDx
Classification: Uncertain significance. Last evaluated: 2025-07-17. Review status: criteria provided, single submitter. Criteria: GeneDx Variant Classification Process June 2021. Collection method: clinical testing. Allele origin: germline. Affected: yes.
Comment: Not observed at significant frequency in large population cohorts (gnomAD); In silico analysis supports that this missense variant has a deleterious effect on protein structure/function; Has not been previously published as pathogenic or benign to our knowledge

NM_001349798.2(FBXW7):c.1933A>T (p.Thr645Ser)

Gene: FBXW7 (F-box and WD repeat domain containing 7; minus strand). Cytogenetic location: 4q31.3.
Variant type: single nucleotide variant.
Coding change: c.1933A>T on transcript NM_001349798.2 (MANE Select); coding-DNA position 1933, A replaced by T.
Protein change: p.Thr645Ser; replaces threonine 645 with serine.
Molecular consequence: missense variant.
Genome position (GRCh38, 1-based): chr4:152,323,072, T>A on the plus strand (A>T on the coding strand, the complement: FBXW7 is on the minus strand). VCF-style: chr4-152323072-T-A. GRCh37 (hg19) VCF-style: chr4-153244224-T-A.
Other names: c.1579A>T, p.Thr527Ser (NM_001013415.2); c.1693A>T, p.Thr565Ser (NM_018315.5); c.1933A>T, p.Thr645Ser (NM_033632.3); short protein forms T527S, T565S, T645S.
Identifiers: ClinVar variation 4686127 (VCV004686127.1).